The following is an entry in ClinVar:

NM_014679.5(CEP57):c.1113T>G (p.Phe371Leu)

Gene: CEP57 (centrosomal protein 57; plus strand). Cytogenetic location: 11q21.
Variant type: single nucleotide variant.
Coding change: c.1113T>G on transcript NM_014679.5 (MANE Select); coding-DNA position 1113, T replaced by G.
Protein change: p.Phe371Leu; replaces phenylalanine 371 with leucine.
Molecular consequence: missense variant.
Genome position (GRCh38, 1-based): chr11:95,828,013, T>G. VCF-style: chr11-95828013-T-G. GRCh37 (hg19) VCF-style: chr11-95561177-T-G.
Other names: c.1086T>G, p.Phe362Leu (NM_001243776.2); c.1035T>G, p.Phe345Leu (NM_001243777.2); c.1032T>G, p.Phe344Leu (NM_001363604.2, NM_001440869.1, NM_001440870.1); c.915T>G, p.Phe305Leu (NM_001440878.1, NM_001440877.1); c.888T>G, p.Phe296Leu (NM_001440879.1); c.852T>G, p.Phe284Leu (NM_001440880.1); c.816T>G, p.Phe272Leu (NM_001440881.1); c.810T>G, p.Phe270Leu (NM_001440882.1); and 6 more; short protein forms F306L, F308L, F332L, F296L, F305L, F311L, F345L, F362L.
Identifiers: ClinVar variation 4226359 (VCV004226359.1).

ClinVar aggregate classification (germline): Uncertain significance (1 of 4 stars; one submission).

Conditions:
Inborn genetic diseases. Identifiers: MedGen C0950123, MeSH D030342.

Submission:

Ambry Genetics
Classification: Uncertain significance for Inborn genetic diseases. Last evaluated: 2025-07-28. Review status: criteria provided, single submitter. Criteria: Ambry Variant Classification Scheme 2023. Collection method: clinical testing. Allele origin: germline.
Comment: The p.F371L variant (also known as c.1113T>G), located in coding exon 9 of the CEP57 gene, results from a T to G substitution at nucleotide position 1113. The phenylalanine at codon 371 is replaced by leucine, an amino acid with highly similar properties. This amino acid position is conserved. In addition, this alteration is predicted to be tolerated by in silico analysis. Based on the available evidence, the clinical significance of this variant remains unclear.